The following is an entry in ClinVar:

NM_000245.4(MET):c.1033G>T (p.Val345Leu)

Gene: MET (MET proto-oncogene, receptor tyrosine kinase; plus strand). Cytogenetic location: 7q31.2.
Variant type: single nucleotide variant.
Coding change: c.1033G>T on transcript NM_000245.4 (MANE Select); coding-DNA position 1033, G replaced by T.
Protein change: p.Val345Leu; replaces valine 345 with leucine.
Molecular consequence: missense variant. On other transcripts: intron variant (1).
Genome position (GRCh38, 1-based): chr7:116,700,117, G>T. VCF-style: chr7-116700117-G-T. GRCh37 (hg19) VCF-style: chr7-116340171-G-T.
Other names: c.1033G>T, p.Val345Leu (NM_001127500.3, NM_001324401.3); c.-91+27540G>T (NM_001324402.2); short protein forms V345L.
Identifiers: ClinVar variation 1423885 (VCV001423885.9), dbSNP rs1232896056, ClinGen allele CA368970393.

ClinVar aggregate classification (germline): Uncertain significance. Review status: criteria provided, multiple submitters, no conflicts (2 of 4 stars). 2 submissions from 2 submitters: Uncertain significance (2). Last evaluated 2025-10-25.

Conditions:
Renal cell carcinoma. Identifiers: Orphanet 217071, MedGen C0007134, MeSH D002292, MONDO:0005086, HP:0005584.
Hereditary cancer-predisposing syndrome. Also called: Neoplastic Syndromes, Hereditary; Hereditary Cancer Syndrome; Hereditary neoplastic syndrome; Tumor predisposition. Identifiers: Orphanet 140162, MedGen C0027672, MeSH D009386, MONDO:0015356.

Allele frequency attached by ClinVar (database versions not stated): gnomAD exomes below 0.00001; gnomAD 0.00001.

Submissions (2):

Labcorp Genetics (formerly Invitae), Labcorp
Classification: Uncertain significance for Renal cell carcinoma. Last evaluated: 2025-10-25. Review status: criteria provided, single submitter. Criteria: Invitae Variant Classification Sherloc (09022015). Collection method: clinical testing. Allele origin: germline.
Comment: This sequence change replaces valine, which is neutral and non-polar, with leucine, which is neutral and non-polar, at codon 345 of the MET protein (p.Val345Leu). This variant is present in population databases (no rsID available, gnomAD 0.01%). This variant has not been reported in the literature in individuals affected with MET-related conditions. ClinVar contains an entry for this variant (Variation ID: 1423885). Invitae Evidence Modeling of protein sequence and biophysical properties (such as structural, functional, and spatial information, amino acid conservation, physicochemical variation, residue mobility, and thermodynamic stability) indicates that this missense variant is expected to disrupt MET protein function with a positive predictive value of 80%. In summary, the available evidence is currently insufficient to determine the role of this variant in disease. Therefore, it has been classified as a Variant of Uncertain Significance.

Ambry Genetics
Classification: Uncertain significance for Hereditary cancer-predisposing syndrome. Last evaluated: 2025-08-14. Review status: criteria provided, single submitter. Criteria: Ambry Variant Classification Scheme 2023. Collection method: clinical testing. Allele origin: germline.
Comment: The p.V345L variant (also known as c.1033G>T), located in coding exon 1 of the MET gene, results from a G to T substitution at nucleotide position 1033. The valine at codon 345 is replaced by leucine, an amino acid with highly similar properties. This amino acid position is conserved. In addition, the in silico prediction for this alteration is inconclusive. Since supporting evidence is limited at this time, the clinical significance of this alteration remains unclear.